The following is an entry in ClinVar:

ClinVar aggregate classification (germline): Uncertain significance (1 of 4 stars; one submission).

Submission:

Ambry Genetics
Classification: Uncertain significance. Last evaluated: 2026-03-19. Review status: criteria provided, single submitter. Criteria: Ambry Variant Classification Scheme 2023. Collection method: clinical testing. Allele origin: germline.
Comment: The p.T2203I variant (also known as c.6608C>T), located in coding exon 28 of the WNK2 gene, results from a C to T substitution at nucleotide position 6608. The threonine at codon 2203 is replaced by isoleucine, an amino acid with similar properties. This amino acid position is conserved. In addition, this alteration is predicted to be tolerated by in silico analysis. Based on the available evidence, the clinical significance of this variant remains unclear.

NM_006648.4(WNK2):c.6608C>T (p.Thr2203Ile)

Gene: WNK2 (WNK lysine deficient protein kinase 2; plus strand). Cytogenetic location: 9q22.31.
Variant type: single nucleotide variant.
Coding change: c.6608C>T on transcript NM_006648.4 (MANE Select); coding-DNA position 6608, C replaced by T.
Protein change: p.Thr2203Ile; replaces threonine 2203 with isoleucine.
Molecular consequence: missense variant.
Genome position (GRCh38, 1-based): chr9:93,317,611, C>T. VCF-style: chr9-93317611-C-T. GRCh37 (hg19) VCF-style: chr9-96079893-C-T.
Other names: c.6719C>T, p.Thr2240Ile (NM_001282394.3); short protein forms T2203I, T2240I.
Identifiers: ClinVar variation 4866525 (VCV004866525.1).